The following is an entry in ClinVar:

NM_000540.3(RYR1):c.6416C>A (p.Pro2139Gln)

Gene: RYR1 (ryanodine receptor 1; plus strand). Cytogenetic location: 19q13.2.
Variant type: single nucleotide variant.
Coding change: c.6416C>A on transcript NM_000540.3 (MANE Select); coding-DNA position 6416, C replaced by A.
Protein change: p.Pro2139Gln; replaces proline 2139 with glutamine.
Molecular consequence: missense variant.
Genome position (GRCh38, 1-based): chr19:38,494,493, C>A. VCF-style: chr19-38494493-C-A. GRCh37 (hg19) VCF-style: chr19-38985133-C-A.
Other names: c.6416C>A, p.Pro2139Gln (NM_001042723.2); short protein forms P2139Q.
Identifiers: ClinVar variation 2835046 (VCV002835046.3), dbSNP rs1040827017, ClinGen allele CA405663971.

ClinVar aggregate classification (germline): Uncertain significance (1 of 4 stars; one submission).

Conditions:
RYR1-related disorder. Also called: RYR1-related condition; RYR1-related disorders. Identifiers: MedGen CN239331.

Submission:

Labcorp Genetics (formerly Invitae), Labcorp
Classification: Uncertain significance for RYR1-related disorder. Last evaluated: 2023-02-06. Review status: criteria provided, single submitter. Criteria: Invitae Variant Classification Sherloc (09022015). Collection method: clinical testing. Allele origin: germline.
Comment: This variant is not present in population databases (gnomAD no frequency). This sequence change replaces proline, which is neutral and non-polar, with glutamine, which is neutral and polar, at codon 2139 of the RYR1 protein (p.Pro2139Gln). In summary, the available evidence is currently insufficient to determine the role of this variant in disease. Therefore, it has been classified as a Variant of Uncertain Significance. Advanced modeling of protein sequence and biophysical properties (such as structural, functional, and spatial information, amino acid conservation, physicochemical variation, residue mobility, and thermodynamic stability) has been performed at Invitae for this missense variant, however the output from this modeling did not meet the statistical confidence thresholds required to predict the impact of this variant on RYR1 protein function. This variant has not been reported in the literature in individuals affected with RYR1-related conditions.